The following is an entry in ClinVar:

ClinVar aggregate classification (germline): Pathogenic. Review status: criteria provided, multiple submitters, no conflicts (2 of 4 stars). 3 submissions from 3 submitters: Pathogenic (3). Last evaluated 2025-11-25.
ClinVar aggregate classification (oncogenicity): Oncogenic (1 of 4 stars; one submission).

Conditions:
Hereditary cancer-predisposing syndrome. Also called: Hereditary Cancer Syndrome; Neoplastic Syndromes, Hereditary; Hereditary neoplastic syndrome; Tumor predisposition. Identifiers: Orphanet 140162, MedGen C0027672, MeSH D009386, MONDO:0015356.
Familial adenomatous polyposis 1 (FAP1). Also called: FAMILIAL ADENOMATOUS POLYPOSIS 1, ATTENUATED; POLYPOSIS, ADENOMATOUS INTESTINAL. Identifiers: MedGen C2713442, MONDO:0021056, OMIM 175100. Disease mechanism: loss of function.
Neoplasm. Also called: tumor; Neoplasms; Neoplasm (disease). Identifiers: MedGen C0027651, MeSH D009369, MONDO:0005070, HP:0002664.

Submissions (6):

Labcorp Genetics (formerly Invitae), Labcorp
Classification: Pathogenic for Familial adenomatous polyposis 1. Last evaluated: 2025-11-25. Review status: criteria provided, single submitter. Criteria: Invitae Variant Classification Sherloc (09022015). Collection method: clinical testing. Allele origin: germline.
Comment: This sequence change creates a premature translational stop signal (p.Glu1353*) in the APC gene. While this is not anticipated to result in nonsense mediated decay, it is expected to disrupt the last 1491 amino acid(s) of the APC protein. This variant is not present in population databases (gnomAD no frequency). This premature translational stop signal has been observed in individual(s) with clinical features of familial Adenomatous Polyposis (PMID: 23159591, 26446593). ClinVar contains an entry for this variant (Variation ID: 428122). This variant is expected to disrupt the EB1 and HDLG binding sites, which mediate interactions with the cytoskeleton (PMID: 15311282, 17293347). While functional studies have not been performed to directly test the effect on APC protein function, this suggests that disruption of the C-terminal portion of the protein is functionally important. A different truncation (p.Tyr2645Lysfs*14) that lies downstream of this variant has been determined to be pathogenic (PMID: 9824584, 1316610, 27081525, 8381579, 22135120, internal data). This suggests that deletion of this region of the APC protein is causative of disease. For these reasons, this variant has been classified as Pathogenic.

Ambry Genetics
Classification: Pathogenic for Hereditary cancer-predisposing syndrome. Last evaluated: 2025-10-29. Review status: criteria provided, single submitter. Criteria: Ambry Variant Classification Scheme 2023. Collection method: clinical testing. Allele origin: germline.
Comment: The p.E1353* pathogenic mutation (also known as c.4057G>T), located in coding exon 15 of the APC gene, results from a G to T substitution at nucleotide position 4057. This changes the amino acid from a glutamic acid to a stop codon within coding exon 15. This alteration occurs at the 3' terminus of the gene, is not expected to trigger nonsense-mediated mRNA decay, and impacts the last 52% of the protein. However, premature stop codons are typically deleterious in nature and a significant portion of the protein is affected (Ambry internal data). This variant was reported in individual(s) with features consistent with APC-related familial adenomatous polyposis (Kerr SE et al. J Mol Diagn. 2013 Jan;15:31-43; Papp J et al. Fam. Cancer. 2016 Jan;15:85-97; Ambry internal data). This variant is considered to be rare based on population cohorts in the Genome Aggregation Database (gnomAD). Based on the supporting evidence, this variant is interpreted as a disease-causing mutation.

Center for Genomic Medicine, Rigshospitalet, Copenhagen University Hospital
Classification: Oncogenic for Neoplasm. Last evaluated: 2025-03-04. Review status: criteria provided, single submitter. Criteria: ClinGen/CGC/VICC Guidelines for Oncogenicity, 2022. Collection method: clinical testing. Allele origin: somatic. Affected: yes.

Myriad Genetics, Inc.
Classification: Pathogenic for Familial adenomatous polyposis 1. Last evaluated: 2023-05-10. Review status: criteria provided, single submitter. Criteria: Myriad Autosomal Dominant, Autosomal Recessive and X-Linked Classification Criteria (2023). Collection method: clinical testing. Allele origin: unknown.
Comment: This variant is considered pathogenic. This variant creates a termination codon and is predicted to result in premature protein truncation.

Dr. Peter K. Rogan Lab, Western University
No classification provided (evidence only). Condition: Colorectal cancer. Review status: no classification provided. Collection method: in vitro. Allele origin: not applicable. Functional consequence: retained intron. Not counted in ClinVar's aggregate classification.

Dr. Peter K. Rogan Lab, Western University
No classification provided (evidence only). Condition: Colorectal cancer. Review status: no classification provided. Collection method: in vitro. Allele origin: not applicable. Functional consequence: retained intron. Not counted in ClinVar's aggregate classification.

Literature cited by the submitters: PubMed 23159591 (cited by Labcorp Genetics (formerly Invitae), Labcorp and Ambry Genetics); PubMed 26446593 (cited by Labcorp Genetics (formerly Invitae), Labcorp and Ambry Genetics); PubMed 15311282 (cited by Labcorp Genetics (formerly Invitae), Labcorp); PubMed 17293347 (cited by Labcorp Genetics (formerly Invitae), Labcorp); PubMed 9824584 (cited by Labcorp Genetics (formerly Invitae), Labcorp); PubMed 1316610 (cited by Labcorp Genetics (formerly Invitae), Labcorp); PubMed 27081525 (cited by Labcorp Genetics (formerly Invitae), Labcorp); PubMed 8381579 (cited by Labcorp Genetics (formerly Invitae), Labcorp); PubMed 22135120 (cited by Labcorp Genetics (formerly Invitae), Labcorp).

NM_000038.6(APC):c.4057G>T (p.Glu1353Ter)

Gene: APC (APC regulator of Wnt signaling pathway; plus strand). Cytogenetic location: 5q22.2.
Variant type: single nucleotide variant.
Coding change: c.4057G>T on transcript NM_000038.6 (MANE Select); coding-DNA position 4057, G replaced by T.
Protein change: p.Glu1353Ter; replaces glutamic acid 1353 with a stop codon.
Molecular consequence: nonsense.
Genome position (GRCh38, 1-based): chr5:112,839,651, G>T. VCF-style: chr5-112839651-G-T. GRCh37 (hg19) VCF-style: chr5-112175348-G-T.
Other names: c.4057G>T, p.Glu1353Ter (NM_001127510.3, NM_001354895.2); c.4003G>T, p.Glu1335Ter (NM_001127511.3); c.4111G>T, p.Glu1371Ter (NM_001354896.2); c.4087G>T, p.Glu1363Ter (NM_001354897.2); c.3982G>T, p.Glu1328Ter (NM_001354898.2); c.3973G>T, p.Glu1325Ter (NM_001354899.2); c.3934G>T, p.Glu1312Ter (NM_001354900.2); c.3880G>T, p.Glu1294Ter (NM_001354901.2); and 5 more; short protein forms E1335*, E1353*, E1262*, E1294*, E1371*, E1070*, E1252*, E1328*.
Identifiers: ClinVar variation 428122 (VCV000428122.17), dbSNP rs1114167568, ClinGen allele CA16030222.